The following is an entry in ClinVar:

ClinVar aggregate classification (germline): Uncertain significance (1 of 4 stars; one submission).

Conditions:
Hereditary cancer-predisposing syndrome. Also called: Tumor predisposition; Hereditary neoplastic syndrome; Neoplastic Syndromes, Hereditary; Hereditary Cancer Syndrome. Identifiers: Orphanet 140162, MedGen C0027672, MeSH D009386, MONDO:0015356.

Submission:

Labcorp Genetics (formerly Invitae), Labcorp
Classification: Uncertain significance for Hereditary cancer-predisposing syndrome. Last evaluated: 2020-12-23. Review status: criteria provided, single submitter. Criteria: Invitae Variant Classification Sherloc (09022015). Collection method: clinical testing. Allele origin: germline.
Comment: In summary, the available evidence is currently insufficient to determine the role of this variant in disease. Therefore, it has been classified as a Variant of Uncertain Significance. Algorithms developed to predict the effect of sequence changes on RNA splicing suggest that this variant may create or strengthen a splice site, but this prediction has not been confirmed by published transcriptional studies. Algorithms developed to predict the effect of missense changes on protein structure and function are either unavailable or do not agree on the potential impact of this missense change (SIFT: "Deleterious"; PolyPhen-2: "Probably Damaging"; Align-GVGD: "Class C0"). This variant has not been reported in the literature in individuals with RAD50-related conditions. This variant is not present in population databases (ExAC no frequency). This sequence change replaces lysine with glutamine at codon 148 of the RAD50 protein (p.Lys148Gln). The lysine residue is highly conserved and there is a small physicochemical difference between lysine and glutamine.

NM_005732.4(RAD50):c.442A>C (p.Lys148Gln)

Gene: RAD50 (RAD50 double strand break repair protein; plus strand). Cytogenetic location: 5q31.1.
Variant type: single nucleotide variant.
Coding change: c.442A>C on transcript NM_005732.4 (MANE Select); coding-DNA position 442, A replaced by C.
Protein change: p.Lys148Gln; replaces lysine 148 with glutamine.
Molecular consequence: missense variant.
Genome position (GRCh38, 1-based): chr5:132,579,393, A>C. VCF-style: chr5-132579393-A-C. GRCh37 (hg19) VCF-style: chr5-131915085-A-C.
Other names: short protein forms K148Q.
Identifiers: ClinVar variation 1491688 (VCV001491688.8), dbSNP rs2149837740, ClinGen allele CA360934022.